The following is an entry in ClinVar:

ClinVar aggregate classification (germline): Uncertain significance. Review status: criteria provided, single submitter (1 of 4 stars). 2 submissions from 2 submitters: Uncertain significance (1). 1 of the submissions does not count toward it. Last evaluated 2025-07-06.

Conditions:
Severe combined immunodeficiency due to IKK2 deficiency. Also called: Immunodeficiency 15; IMMUNODEFICIENCY 15B. Identifiers: Orphanet 397787, MedGen C4747743, MONDO:0014267, OMIM 615592.
IKBKB-related disorder. Also called: IKBKB-related condition.

gnomAD v4.1: 10 of 1,613,758 alleles (0.00062%); highest among the groups gnomAD compares: Middle Eastern, 0.016%; no homozygotes.

Submissions (2):

Labcorp Genetics (formerly Invitae), Labcorp
Classification: Uncertain significance for Severe combined immunodeficiency due to IKK2 deficiency. Last evaluated: 2025-07-06. Review status: criteria provided, single submitter. Criteria: Invitae Variant Classification Sherloc (09022015). Collection method: clinical testing. Allele origin: germline.
Comment: This sequence change replaces threonine, which is neutral and polar, with methionine, which is neutral and non-polar, at codon 252 of the IKBKB protein (p.Thr252Met). This variant is not present in population databases (gnomAD no frequency). This variant has not been reported in the literature in individuals affected with IKBKB-related conditions. ClinVar contains an entry for this variant (Variation ID: 3358813). Invitae Evidence Modeling of protein sequence and biophysical properties (such as structural, functional, and spatial information, amino acid conservation, physicochemical variation, residue mobility, and thermodynamic stability) indicates that this missense variant is not expected to disrupt IKBKB protein function with a negative predictive value of 95%. In summary, the available evidence is currently insufficient to determine the role of this variant in disease. Therefore, it has been classified as a Variant of Uncertain Significance.

PreventionGenetics, part of Exact Sciences
Classification: Uncertain significance for IKBKB-related condition. Last evaluated: 2024-08-22. Review status: no assertion criteria provided. Collection method: clinical testing. Allele origin: germline. Not counted in ClinVar's aggregate classification.
Comment: The IKBKB c.755C>T variant is predicted to result in the amino acid substitution p.Thr252Met. To our knowledge, this variant has not been reported in the literature or in a large population database, indicating this variant is rare. At this time, the clinical significance of this variant is uncertain due to the absence of conclusive functional and genetic evidence.

NM_001556.3(IKBKB):c.755C>T (p.Thr252Met)

Gene: IKBKB (inhibitor of nuclear factor kappa B kinase subunit beta; plus strand). Cytogenetic location: 8p11.21.
Variant type: single nucleotide variant.
Coding change: c.755C>T on transcript NM_001556.3 (MANE Select); coding-DNA position 755, C replaced by T.
Protein change: p.Thr252Met; replaces threonine 252 with methionine.
Molecular consequence: missense variant. On other transcripts: non-coding transcript variant (3).
Genome position (GRCh38, 1-based): chr8:42,314,384, C>T. VCF-style: chr8-42314384-C-T. GRCh37 (hg19) VCF-style: chr8-42171902-C-T.
Other names: c.563C>T, p.Thr188Met (NM_001190720.3); c.578C>T, p.Thr193Met (NM_001242778.2); short protein forms T188M, T193M, T252M.
Identifiers: ClinVar variation 3358813 (VCV003358813.2).